The following is an entry in ClinVar:

NM_005045.4(RELN):c.8024G>A (p.Ser2675Asn)

Gene: RELN (reelin; minus strand). Cytogenetic location: 7q22.1.
Variant type: single nucleotide variant.
Coding change: c.8024G>A on transcript NM_005045.4 (MANE Select); coding-DNA position 8024, G replaced by A.
Protein change: p.Ser2675Asn; replaces serine 2675 with asparagine.
Molecular consequence: missense variant.
Genome position (GRCh38, 1-based): chr7:103,515,280, C>T on the plus strand (G>A on the coding strand, the complement: RELN is on the minus strand). VCF-style: chr7-103515280-C-T. GRCh37 (hg19) VCF-style: chr7-103155727-C-T.
Other names: c.8024G>A, p.Ser2675Asn (NM_173054.3); short protein forms S2675N.
Identifiers: ClinVar variation 451993 (VCV000451993.2), dbSNP rs1554368317, ClinGen allele CA368762971.

ClinVar aggregate classification (germline): Uncertain significance (1 of 4 stars; one submission).

Submission:

GeneDx
Classification: Uncertain significance. Last evaluated: 2017-09-12. Review status: criteria provided, single submitter. Criteria: GeneDx Variant Classification (06012015). Collection method: clinical testing. Allele origin: germline. Affected: yes.
Comment: The S2675N variant has not been published as a pathogenic variant, nor has it been reported as a benign variant to our knowledge. The S2675N variant is not observed in large population cohorts (Lek et al., 2016; 1000 Genomes Consortium et al., 2015; Exome Variant Server). The S2675N variant is a conservative amino acid substitution, which is not likely to impact secondary protein structure as these residues share similar properties. However, this substitution occurs at a position that is conserved in mammals. In silico analysis is inconsistent in its predictions as to whether or not the variant is damaging to the protein structure/function. Therefore, based on the currently available information, it is unclear whether this variant is a pathogenic variant or a rare benign variant.